The following is an entry in ClinVar:

ClinVar aggregate classification (germline): Uncertain significance (1 of 4 stars; one submission).

Allele frequency attached by ClinVar (database versions not stated): gnomAD 0.00001.

Submission:

GeneDx
Classification: Uncertain significance. Last evaluated: 2023-12-18. Review status: criteria provided, single submitter. Criteria: GeneDx Variant Classification Process June 2021. Collection method: clinical testing. Allele origin: germline.
Comment: Identified in unrelated patients with hearing loss in published literature, but additional clinical information was not included (PMID: 27610647, 36597107); In silico analysis supports that this missense variant has a deleterious effect on protein structure/function; This variant is associated with the following publications: (PMID: 36597107, 27610647)

NM_170682.4(P2RX2):c.1078G>A (p.Asp360Asn)

Gene: P2RX2 (purinergic receptor P2X 2; plus strand). Cytogenetic location: 12q24.33.
Variant type: single nucleotide variant.
Coding change: c.1078G>A on transcript NM_170682.4 (MANE Select); coding-DNA position 1078, G replaced by A.
Protein change: p.Asp360Asn; replaces aspartic acid 360 with asparagine.
Molecular consequence: missense variant. On other transcripts: 3 prime UTR variant (1).
Genome position (GRCh38, 1-based): chr12:132,621,634, G>A. VCF-style: chr12-132621634-G-A. GRCh37 (hg19) VCF-style: chr12-133198220-G-A.
Other names: c.976G>A, p.Asp326Asn (NM_001282164.2); c.*125G>A (NM_001282165.2); c.862G>A, p.Asp288Asn (NM_012226.5); c.1006G>A, p.Asp336Asn (NM_016318.4); c.1156G>A, p.Asp386Asn (NM_170683.4); c.802G>A, p.Asp268Asn (NM_174872.3); c.1078G>A, p.Asp360Asn (NM_174873.3); short protein forms D268N, D288N, D326N, D336N, D360N, D386N.
Identifiers: ClinVar variation 1804516 (VCV001804516.2), dbSNP rs780860942, ClinGen allele CA6891823.